The following is an entry in ClinVar:

ClinVar aggregate classification (germline): Uncertain significance. Review status: criteria provided, multiple submitters, no conflicts (2 of 4 stars). 3 submissions from 3 submitters: Uncertain significance (3). Last evaluated 2025-11-11.

Conditions:
Van Maldergem syndrome 2 (VMLDS2). Identifiers: Orphanet 314679, MedGen C3809875, MONDO:0014242, OMIM 615546.
Hennekam lymphangiectasia-lymphedema syndrome 2 (HKLLS2). Identifiers: Orphanet 2136, MedGen C4014939, MONDO:0014454, OMIM 616006.
Inborn genetic diseases. Identifiers: MedGen C0950123, MeSH D030342.

Allele frequency attached by ClinVar (database versions not stated): gnomAD exomes below 0.00001; ExAC 0.00001; gnomAD 0.00003; TOPMed 0.00006.
gnomAD v4.1: 12 of 1,614,018 alleles (0.00074%); highest among the groups gnomAD compares: African/African-American, 0.012%; no homozygotes.

Submissions (3):

Ambry Genetics
Classification: Uncertain significance for Inborn genetic diseases. Last evaluated: 2025-11-11. Review status: criteria provided, single submitter. Criteria: Ambry Variant Classification Scheme 2023. Collection method: clinical testing. Allele origin: germline.

Labcorp Genetics (formerly Invitae), Labcorp
Classification: Uncertain significance. Last evaluated: 2025-10-01. Review status: criteria provided, single submitter. Criteria: Invitae Variant Classification Sherloc (09022015). Collection method: clinical testing. Allele origin: germline.
Comment: This sequence change replaces isoleucine, which is neutral and non-polar, with threonine, which is neutral and polar, at codon 1270 of the FAT4 protein (p.Ile1270Thr). This variant is present in population databases (rs769143741, gnomAD 0.02%). This variant has not been reported in the literature in individuals affected with FAT4-related conditions. ClinVar contains an entry for this variant (Variation ID: 2323872). Invitae Evidence Modeling of protein sequence and biophysical properties (such as structural, functional, and spatial information, amino acid conservation, physicochemical variation, residue mobility, and thermodynamic stability) indicates that this missense variant is not expected to disrupt FAT4 protein function with a negative predictive value of 80%. In summary, the available evidence is currently insufficient to determine the role of this variant in disease. Therefore, it has been classified as a Variant of Uncertain Significance.

Fulgent Genetics
Classification: Uncertain significance for Van Maldergem syndrome 2; Hennekam lymphangiectasia-lymphedema syndrome 2. Last evaluated: 2024-04-04. Review status: criteria provided, single submitter. Criteria: ACMG Guidelines, 2015. Collection method: clinical testing. Allele origin: germline.

NM_001291303.3(FAT4):c.3809T>C (p.Ile1270Thr)

Gene: FAT4 (FAT atypical cadherin 4; plus strand). Cytogenetic location: 4q28.1.
Variant type: single nucleotide variant.
Coding change: c.3809T>C on transcript NM_001291303.3 (MANE Select); coding-DNA position 3809, T replaced by C.
Protein change: p.Ile1270Thr; replaces isoleucine 1270 with threonine.
Molecular consequence: missense variant.
Genome position (GRCh38, 1-based): chr4:125,320,220, T>C. VCF-style: chr4-125320220-T-C. GRCh37 (hg19) VCF-style: chr4-126241375-T-C.
Other names: c.3809T>C, p.Ile1270Thr (NM_001291285.3, NM_024582.6); c.3809T>C (NM_024582.4, NM_024582.5); short protein forms I1270T.
Identifiers: ClinVar variation 2323872 (VCV002323872.10), dbSNP rs769143741, ClinGen allele CA3072370.